The following is an entry in ClinVar:

NM_006904.7(PRKDC):c.1028A>G (p.Glu343Gly)

Gene: PRKDC (protein kinase, DNA-activated, catalytic subunit; minus strand). Cytogenetic location: 8q11.21.
Variant type: single nucleotide variant.
Coding change: c.1028A>G on transcript NM_006904.7 (MANE Select); coding-DNA position 1028, A replaced by G.
Protein change: p.Glu343Gly; replaces glutamic acid 343 with glycine.
Molecular consequence: missense variant.
Genome position (GRCh38, 1-based): chr8:47,939,636, T>C on the plus strand (A>G on the coding strand, the complement: PRKDC is on the minus strand). VCF-style: chr8-47939636-T-C. GRCh37 (hg19) VCF-style: chr8-48852196-T-C.
Other names: c.1028A>G, p.Glu343Gly (NM_001081640.2); short protein forms E343G.
Identifiers: ClinVar variation 2564523 (VCV002564523.2), dbSNP rs751392294, ClinGen allele CA4741846.

ClinVar aggregate classification (germline): Uncertain significance (1 of 4 stars; one submission).

Allele frequency attached by ClinVar (database versions not stated): ExAC 0.00001; gnomAD exomes 0.00001.
gnomAD v4.1: 3 of 1,613,138 alleles (0.00019%); no homozygotes.

Submission:

Ambry Genetics
Classification: Uncertain significance. Last evaluated: 2023-04-11. Review status: criteria provided, single submitter. Criteria: Ambry Variant Classification Scheme 2023. Collection method: clinical testing. Allele origin: germline.
Comment: The p.E343G variant (also known as c.1028A>G), located in coding exon 11 of the PRKDC gene, results from an A to G substitution at nucleotide position 1028. The glutamic acid at codon 343 is replaced by glycine, an amino acid with similar properties. This amino acid position is conserved. In addition, the in silico prediction for this alteration is inconclusive. Since supporting evidence is limited at this time, the clinical significance of this alteration remains unclear.